The following is an entry in ClinVar:

ClinVar aggregate classification (germline): Uncertain significance (1 of 4 stars; one submission).

Allele frequency attached by ClinVar (database versions not stated): gnomAD exomes below 0.00001 and 0.00002; gnomAD 0.00001; TOPMed 0.00002.
gnomAD v4.1: 32 of 1,614,068 alleles (0.002%); highest among the groups gnomAD compares: African/African-American, 0.0027%; no homozygotes.

Submission:

GeneDx
Classification: Uncertain significance. Last evaluated: 2020-03-13. Review status: criteria provided, single submitter. Criteria: GeneDx Variant Classification Process June 2021. Collection method: clinical testing. Allele origin: germline. Affected: yes.
Comment: Not observed at a significant frequency in large population cohorts (Lek et al., 2016); In silico analysis supports that this missense variant has a deleterious effect on protein structure/function; Has not been previously published as pathogenic or benign to our knowledge

NM_015386.3(COG4):c.1517C>T (p.Pro506Leu)

Gene: COG4 (component of oligomeric golgi complex 4; minus strand). Cytogenetic location: 16q22.1.
Variant type: single nucleotide variant.
Coding change: c.1517C>T on transcript NM_015386.3 (MANE Select); coding-DNA position 1517, C replaced by T.
Protein change: p.Pro506Leu; replaces proline 506 with leucine.
Molecular consequence: missense variant.
Genome position (GRCh38, 1-based): chr16:70,496,396, G>A on the plus strand (C>T on the coding strand, the complement: COG4 is on the minus strand). VCF-style: chr16-70496396-G-A. GRCh37 (hg19) VCF-style: chr16-70530299-G-A.
Other names: c.1505C>T, p.Pro502Leu (NM_001195139.2); c.1091C>T, p.Pro364Leu (NM_001365426.1); short protein forms P364L, P502L, P506L.
Identifiers: ClinVar variation 1315246 (VCV001315246.2), dbSNP rs940522796, ClinGen allele CA283441028.